The following is an entry in ClinVar:

NM_001080467.3(MYO5B):c.4028T>C (p.Leu1343Pro)

Gene: MYO5B (myosin VB; minus strand). Cytogenetic location: 18q21.1.
Variant type: single nucleotide variant.
Coding change: c.4028T>C on transcript NM_001080467.3 (MANE Select); coding-DNA position 4028, T replaced by C.
Protein change: p.Leu1343Pro; replaces leucine 1343 with proline.
Molecular consequence: missense variant.
Genome position (GRCh38, 1-based): chr18:49,853,642, A>G on the plus strand (T>C on the coding strand, the complement: MYO5B is on the minus strand). VCF-style: chr18-49853642-A-G. GRCh37 (hg19) VCF-style: chr18-47380012-A-G.
Other names: L1343F; short protein forms L1343P.
Identifiers: ClinVar variation 1686954 (VCV001686954.17), dbSNP rs779188563, ClinGen allele CA8960467.

ClinVar aggregate classification (germline): Likely pathogenic. Review status: criteria provided, single submitter (1 of 4 stars). 2 submissions from 2 submitters: Likely pathogenic (1). 1 of the submissions does not count toward it. Last evaluated 2024-11-01.

Conditions:
Congenital microvillous atrophy (DIAR2). Also called: MICROVILLUS ATROPHY, CONGENITAL; Microvillus inclusion disease; CONGENITAL FAMILIAL PROTRACTED DIARRHEA WITH ENTEROCYTE BRUSH-BORDER ABNORMALITIES; Diarrhea 2 with microvillus atrophy, with or without cholestasis; DAVIDSON DISEASE. Identifiers: Orphanet 2290, MedGen C0341306, MONDO:0009635, OMIM 251850.

Allele frequency attached by ClinVar (database versions not stated): gnomAD exomes below 0.00001; ExAC 0.00001.
gnomAD v4.1: 1 of 1,612,538 alleles (0.000062%); highest among the groups gnomAD compares: Admixed American, 0.0017%; no homozygotes.

Submissions (2):

CeGaT Center for Human Genetics Tuebingen
Classification: Likely pathogenic. Last evaluated: 2024-11-01. Review status: criteria provided, single submitter. Criteria: CeGaT Center For Human Genetics Tuebingen Variant Classification Criteria Version 2. Collection method: clinical testing. Allele origin: germline. Affected: yes. Observed: 1 variant allele.
Comment: MYO5B: PM2, PM3, PS2:Moderate

OMIM
Classification: Pathogenic for DIARRHEA 2, WITH MICROVILLUS ATROPHY. Last evaluated: 2025-05-05. Review status: no assertion criteria provided. Collection method: literature only. Allele origin: germline. Not counted in ClinVar's aggregate classification.

Literature cited by the submitters: PubMed 25111220 (cited by OMIM).